The following is an entry in ClinVar:

ClinVar aggregate classification (germline): Uncertain significance. Review status: criteria provided, multiple submitters, no conflicts (2 of 4 stars). 3 submissions from 3 submitters: Uncertain significance (3). Last evaluated 2026-01-13.

Conditions:
Aortic aneurysm, familial thoracic 4 (AAT4). Also called: AORTIC ANEURYSM/AORTIC DISSECTION AND PATENT DUCTUS ARTERIOSUS. Identifiers: MedGen C1851504, MONDO:0007568, OMIM 132900.
Familial thoracic aortic aneurysm and aortic dissection (TAAD). Also called: Thoracic aortic aneurysms and dissections. Identifiers: Orphanet 91387, MedGen C4707243, MONDO:0019625.

Allele frequency attached by ClinVar (database versions not stated): gnomAD exomes below 0.00001 and 0.00001; gnomAD 0.00001; TOPMed 0.00001.
gnomAD v4.1: 3 of 1,613,878 alleles (0.00019%); highest among the groups gnomAD compares: East Asian, 0.0045%; no homozygotes.

Submissions (3):

Labcorp Genetics (formerly Invitae), Labcorp
Classification: Uncertain significance for Aortic aneurysm, familial thoracic 4. Last evaluated: 2026-01-13. Review status: criteria provided, single submitter. Criteria: Invitae Variant Classification Sherloc (09022015). Collection method: clinical testing. Allele origin: germline.
Comment: This sequence change replaces glutamine, which is neutral and polar, with histidine, which is basic and polar, at codon 1593 of the MYH11 protein (p.Gln1593His). This variant is present in population databases (no rsID available, gnomAD 0.02%). This variant has not been reported in the literature in individuals affected with MYH11-related conditions. ClinVar contains an entry for this variant (Variation ID: 920541). Invitae Evidence Modeling of protein sequence and biophysical properties (such as structural, functional, and spatial information, amino acid conservation, physicochemical variation, residue mobility, and thermodynamic stability) indicates that this missense variant is not expected to disrupt MYH11 protein function with a negative predictive value of 95%. In summary, the available evidence is currently insufficient to determine the role of this variant in disease. Therefore, it has been classified as a Variant of Uncertain Significance.

Ambry Genetics
Classification: Uncertain significance for Familial thoracic aortic aneurysm and aortic dissection. Last evaluated: 2024-03-18. Review status: criteria provided, single submitter. Criteria: Ambry Variant Classification Scheme 2023. Collection method: clinical testing. Allele origin: germline.

Color Diagnostics, LLC DBA Color Health
Classification: Uncertain significance for Familial thoracic aortic aneurysm and aortic dissection. Last evaluated: 2023-12-05. Review status: criteria provided, single submitter. Criteria: ACMG Guidelines, 2015. Collection method: clinical testing. Allele origin: germline.
Comment: This missense variant replaces glutamine with histidine at codon 1593 of the MYH11 protein. Computational prediction suggests that this variant may not impact protein structure and function (internally defined REVEL score threshold <= 0.5, PMID: 27666373). To our knowledge, functional studies have not been reported for this variant. This variant has not been reported in individuals affected with MYH11-related disorders in the literature. This variant has been identified in 4/282780 chromosomes in the general population by the Genome Aggregation Database (gnomAD). The available evidence is insufficient to determine the role of this variant in disease conclusively. Therefore, this variant is classified as a Variant of Uncertain Significance.

NM_002474.3(MYH11):c.4758G>C (p.Gln1586His)

Genes: MYH11 (myosin heavy chain 11; minus strand), NDE1 (nudE neurodevelopment protein 1; plus strand). Cytogenetic location: 16p13.11.
Variant type: single nucleotide variant.
Coding change: c.4758G>C on transcript NM_002474.3 (MANE Select); coding-DNA position 4758, G replaced by C.
Protein change: p.Gln1586His; replaces glutamine 1586 with histidine.
Molecular consequence: missense variant. On other transcripts: intron variant (2).
Genome position (GRCh38, 1-based): chr16:15,720,872, C>G on the plus strand (G>C on the coding strand, the complement: MYH11 is on the minus strand). VCF-style: chr16-15720872-C-G. GRCh37 (hg19) VCF-style: chr16-15814729-C-G.
Other names: c.4779G>C, p.Gln1593His (NM_001040113.2, NM_001040114.2); c.4758G>C, p.Gln1586His (NM_022844.3); c.948-3319C>G (NM_001143979.2, NM_017668.3); c.4758G>C (NM_002474.2); short protein forms Q1593H, Q1586H.
Identifiers: ClinVar variation 920541 (VCV000920541.10), dbSNP rs1354578485, ClinGen allele CA394853474.